The following is an entry in ClinVar:

NM_000202.8(IDS):c.1402del (p.Arg468fs)

Gene: IDS (iduronate 2-sulfatase; minus strand). Cytogenetic location: Xq28.
Variant type: Deletion.
Coding change: c.1402del on transcript NM_000202.8 (MANE Select); coding-DNA position 1402, one base deleted (C; older notation c.1402delC).
Protein change: p.Arg468fs; shifts the reading frame from arginine 468.
Molecular consequence: frameshift variant.
Genome position (GRCh38, 1-based): chrX:149,482,997, G deleted on the plus strand (C on the coding strand, the reverse complement: IDS is on the minus strand); the first of 4 consecutive G bases (chrX:149,482,997-149,483,000); deleting any one gives the same sequence. VCF-style (leftmost placement, unchanged base first): chrX-149482996-CG-C. GRCh37 (hg19) VCF-style: chrX-148564527-CG-C.
Other names: c.1132del, p.Arg378fs (NM_001166550.4); short protein forms R378fs, R468fs.
Identifiers: ClinVar variation 1070516 (VCV001070516.11), dbSNP rs2123994397, ClinGen allele CA2499226410.

ClinVar aggregate classification (germline): Pathogenic/Likely pathogenic. Review status: criteria provided, multiple submitters, no conflicts (2 of 4 stars). 2 submissions from 2 submitters: Pathogenic (1); Likely pathogenic (1). Last evaluated 2024-06-07.

Conditions:
Mucopolysaccharidosis, MPS-II (MPS2). Also called: Attenuated MPS (subtype; formerly known as mild MPS II); Severe MPS II; I2S deficiency; MPS 2; Hunter Syndrome; IDURONATE 2-SULFATASE DEFICIENCY. Identifiers: Orphanet 580, Orphanet 79388, MedGen C0026705, MONDO:0010674, OMIM 309900.

Submissions (2):

Laboratory of Diagnosis and Therapy of Lysosomal Disorders, University of Padova
Classification: Likely pathogenic for Mucopolysaccharidosis, MPS-II. Last evaluated: 2024-06-07. Review status: criteria provided, single submitter. Criteria: ACMG Guidelines, 2015. Collection method: literature only. Allele origin: germline. Affected: yes. Observed: 1 variant allele.
Comment: Null variant (PVS1_Strong), Absent from controls (or at low frequency) in gnomAD database (PM2_Moderate), Patient’s phenotype or family history highly specific for the disease (PP4_Moderate)

Classification method: ACMG Guidelines [PMID:25741868] with modifications

Labcorp Genetics (formerly Invitae), Labcorp
Classification: Pathogenic for Mucopolysaccharidosis, MPS-II. Last evaluated: 2020-08-05. Review status: criteria provided, single submitter. Criteria: Invitae Variant Classification Sherloc (09022015). Collection method: clinical testing. Allele origin: germline.
Comment: For these reasons, this variant has been classified as Pathogenic. This variant has been observed to be hemizygous in individuals affected with MPS II (PMID: 21291454, Invitae). This variant is not present in population databases (ExAC no frequency). This sequence change results in a premature translational stop signal in the IDS gene (p.Arg468Glyfs*15). While this is not anticipated to result in nonsense mediated decay, it is expected to disrupt the last 83 amino acids of the IDS protein.

Literature cited by the submitters: PubMed 21291454 (cited by Laboratory of Diagnosis and Therapy of Lysosomal Disorders, University of Padova and Labcorp Genetics (formerly Invitae), Labcorp).